The following is an entry in ClinVar:

NM_024408.4(NOTCH2):c.7356G>T (p.Gln2452His)

Gene: NOTCH2 (notch receptor 2; minus strand). Cytogenetic location: 1p12.
Variant type: single nucleotide variant.
Coding change: c.7356G>T on transcript NM_024408.4 (MANE Select); coding-DNA position 7356, G replaced by T.
Protein change: p.Gln2452His; replaces glutamine 2452 with histidine.
Molecular consequence: missense variant.
Genome position (GRCh38, 1-based): chr1:119,915,366, C>A on the plus strand (G>T on the coding strand, the complement: NOTCH2 is on the minus strand). VCF-style: chr1-119915366-C-A. GRCh37 (hg19) VCF-style: chr1-120457989-C-A.
Other names: short protein forms Q2452H.
Identifiers: ClinVar variation 1383618 (VCV001383618.6), dbSNP rs1352825600, ClinGen allele CA341871576.

ClinVar aggregate classification (germline): Uncertain significance (1 of 4 stars; one submission).

Conditions:
Hajdu-Cheney syndrome (HJCYS). Also called: SERPENTINE FIBULA-POLYCYSTIC KIDNEY SYNDROME; Acroosteolysis dominant type; ACROOSTEOLYSIS WITH OSTEOPOROSIS AND CHANGES IN SKULL AND MANDIBLE. Identifiers: Orphanet 955, MedGen C0917715, MONDO:0007057, OMIM 102500.

Allele frequency attached by ClinVar (database versions not stated): gnomAD exomes below 0.00001.
gnomAD v4.1: 6 of 1,614,192 alleles (0.00037%); highest among the groups gnomAD compares: Non-Finnish European, 0.00034%; no homozygotes.

Submission:

Labcorp Genetics (formerly Invitae), Labcorp
Classification: Uncertain significance for Hajdu-Cheney syndrome. Last evaluated: 2022-08-20. Review status: criteria provided, single submitter. Criteria: Invitae Variant Classification Sherloc (09022015). Collection method: clinical testing. Allele origin: germline.
Comment: This sequence change replaces glutamine, which is neutral and polar, with histidine, which is basic and polar, at codon 2452 of the NOTCH2 protein (p.Gln2452His). In summary, the available evidence is currently insufficient to determine the role of this variant in disease. Therefore, it has been classified as a Variant of Uncertain Significance. Advanced modeling of protein sequence and biophysical properties (such as structural, functional, and spatial information, amino acid conservation, physicochemical variation, residue mobility, and thermodynamic stability) performed at Invitae indicates that this missense variant is not expected to disrupt NOTCH2 protein function. ClinVar contains an entry for this variant (Variation ID: 1383618). This variant has not been reported in the literature in individuals affected with NOTCH2-related conditions. This variant is present in population databases (no rsID available, gnomAD 0.0009%).